The following is an entry in ClinVar:

ClinVar aggregate classification (germline): Uncertain significance. Review status: criteria provided, multiple submitters, no conflicts (2 of 4 stars). 2 submissions from 2 submitters: Uncertain significance (2). Last evaluated 2025-05-18.

gnomAD v4.1: 79 of 1,614,014 alleles (0.0049%); highest among the groups gnomAD compares: Non-Finnish European, 0.0067%; no homozygotes.

Submissions (2):

Ambry Genetics
Classification: Uncertain significance. Last evaluated: 2025-05-18. Review status: criteria provided, single submitter. Criteria: Ambry Variant Classification Scheme 2023. Collection method: clinical testing. Allele origin: germline.

Labcorp Genetics (formerly Invitae), Labcorp
Classification: Uncertain significance. Last evaluated: 2024-03-28. Review status: criteria provided, single submitter. Criteria: Invitae Variant Classification Sherloc (09022015). Collection method: clinical testing. Allele origin: germline.
Comment: This sequence change replaces arginine, which is basic and polar, with lysine, which is basic and polar, at codon 1267 of the ADGRA3 protein (p.Arg1267Lys). This variant is present in population databases (no rsID available, gnomAD 0.01%). This variant has not been reported in the literature in individuals affected with ADGRA3-related conditions. An algorithm developed to predict the effect of missense changes on protein structure and function (PolyPhen-2) suggests that this variant is likely to be tolerated. In summary, the available evidence is currently insufficient to determine the role of this variant in disease. Therefore, it has been classified as a Variant of Uncertain Significance.

NM_145290.4(ADGRA3):c.3800G>A (p.Arg1267Lys)

Gene: ADGRA3 (adhesion G protein-coupled receptor A3; minus strand). Cytogenetic location: 4p15.2.
Variant type: single nucleotide variant.
Coding change: c.3800G>A on transcript NM_145290.4 (MANE Select); coding-DNA position 3800, G replaced by A.
Protein change: p.Arg1267Lys; replaces arginine 1267 with lysine.
Molecular consequence: missense variant.
Genome position (GRCh38, 1-based): chr4:22,387,871, C>T on the plus strand (G>A on the coding strand, the complement: ADGRA3 is on the minus strand). VCF-style: chr4-22387871-C-T. GRCh37 (hg19) VCF-style: chr4-22389494-C-T.
Other names: c.3800G>A (NM_145290.2); short protein forms R1267K.
Identifiers: ClinVar variation 3609977 (VCV003609977.3).